The following is an entry in ClinVar:

NM_000297.4(PKD2):c.2524C>T (p.Leu842=)

Gene: PKD2 (polycystin 2, transient receptor potential cation channel; plus strand). Cytogenetic location: 4q22.1.
Variant type: single nucleotide variant.
Coding change: c.2524C>T on transcript NM_000297.4 (MANE Select); coding-DNA position 2524, C replaced by T.
Protein change: p.Leu842=; no amino-acid change (leucine 842 retained).
Molecular consequence: synonymous variant. On other transcripts: non-coding transcript variant (1).
Genome position (GRCh38, 1-based): chr4:88,074,813, C>T. VCF-style: chr4-88074813-C-T. GRCh37 (hg19) VCF-style: chr4-88995965-C-T.
Other names: c.2299C>T, p.Leu767= (NM_001440544.1).
Identifiers: ClinVar variation 4995102 (VCV004995102.1).

ClinVar aggregate classification (germline): Likely benign (1 of 4 stars; one submission).

Conditions:
PKD2-related disorder. Also called: PKD2-related condition.

Submission:

PreventionGenetics, part of Exact Sciences
Classification: Likely benign for PKD2-related condition. Last evaluated: 2026-03-24. Review status: criteria provided, single submitter. Criteria: ACMG Guidelines, 2015. Collection method: clinical testing. Allele origin: germline.
Comment: This variant is classified as likely benign based on ACMG/AMP sequence variant interpretation guidelines (Richards et al. 2015 PMID: 25741868, with internal and published modifications).